The following is an entry in ClinVar:

ClinVar aggregate classification (germline): Uncertain significance (1 of 4 stars; one submission).

Conditions:
Marfan syndrome (MFS). Also called: FBN1-Related Marfan Syndrome; MARFAN SYNDROME, TYPE I; Marfan syndrome type 1; Marfan's syndrome; Marfan syndrome, classic. Identifiers: Orphanet 284963, Orphanet 558, MedGen C0024796, MONDO:0007947, OMIM 154700.
Familial thoracic aortic aneurysm and aortic dissection (TAAD). Also called: Thoracic aortic aneurysms and dissections. Identifiers: Orphanet 91387, MedGen C4707243, MONDO:0019625.

gnomAD v4.1: 1 of 1,613,856 alleles (0.000062%); highest among the groups gnomAD compares: Non-Finnish European, 0.000085%; no homozygotes.

Submission:

Labcorp Genetics (formerly Invitae), Labcorp
Classification: Uncertain significance for Marfan syndrome; Familial thoracic aortic aneurysm and aortic dissection. Last evaluated: 2025-04-09. Review status: criteria provided, single submitter. Criteria: Invitae Variant Classification Sherloc (09022015). Collection method: clinical testing. Allele origin: germline.
Comment: This sequence change replaces valine, which is neutral and non-polar, with leucine, which is neutral and non-polar, at codon 1781 of the FBN1 protein (p.Val1781Leu). This variant is not present in population databases (gnomAD no frequency). This variant has not been reported in the literature in individuals affected with FBN1-related conditions. Invitae Evidence Modeling of protein sequence and biophysical properties (such as structural, functional, and spatial information, amino acid conservation, physicochemical variation, residue mobility, and thermodynamic stability) indicates that this missense variant is not expected to disrupt FBN1 protein function with a negative predictive value of 95%. In summary, the available evidence is currently insufficient to determine the role of this variant in disease. Therefore, it has been classified as a Variant of Uncertain Significance.

NM_000138.5(FBN1):c.5341G>C (p.Val1781Leu)

Gene: FBN1 (fibrillin 1; minus strand). Cytogenetic location: 15q21.1.
Variant type: single nucleotide variant.
Coding change: c.5341G>C on transcript NM_000138.5 (MANE Select); coding-DNA position 5341, G replaced by C.
Protein change: p.Val1781Leu; replaces valine 1781 with leucine.
Molecular consequence: missense variant.
Genome position (GRCh38, 1-based): chr15:48,456,718, C>G on the plus strand (G>C on the coding strand, the complement: FBN1 is on the minus strand). VCF-style: chr15-48456718-C-G. GRCh37 (hg19) VCF-style: chr15-48748915-C-G.
Other names: c.5341G>C, p.Val1781Leu (NM_001406716.1); short protein forms V1781L.
Identifiers: ClinVar variation 4793252 (VCV004793252.1).